The following is an entry in ClinVar:

ClinVar aggregate classification (germline): Likely benign. Review status: criteria provided, multiple submitters, no conflicts (2 of 4 stars). 3 submissions from 3 submitters: Likely benign (2). 1 of the submissions does not count toward it. Last evaluated 2025-03-06.

Conditions:
PCNT-related disorder. Also called: PCNT-related condition.

Allele frequency attached by ClinVar (database versions not stated): gnomAD exomes below 0.00001 and 0.00002; ExAC 0.00002; TOPMed 0.00003; gnomAD 0.00005.
gnomAD v4.1: 14 of 1,614,092 alleles (0.00087%); highest among the groups gnomAD compares: Admixed American, 0.01%; no homozygotes.

Submissions (3):

Labcorp Genetics (formerly Invitae), Labcorp
Classification: Likely benign. Last evaluated: 2025-03-06. Review status: criteria provided, single submitter. Criteria: Invitae Variant Classification Sherloc (09022015). Collection method: clinical testing. Allele origin: germline.

GeneDx
Classification: Likely benign. Last evaluated: 2016-05-06. Review status: criteria provided, single submitter. Criteria: GeneDx Variant Classification (06012015). Collection method: clinical testing. Allele origin: germline. Affected: yes.
Comment: This variant is considered likely benign or benign based on one or more of the following criteria: it is a conservative change, it occurs at a poorly conserved position in the protein, it is predicted to be benign by multiple in silico algorithms, and/or has population frequency not consistent with disease.

PreventionGenetics, part of Exact Sciences
Classification: Likely benign for PCNT-related condition. Last evaluated: 2023-07-24. Review status: no assertion criteria provided. Collection method: clinical testing. Allele origin: germline. Not counted in ClinVar's aggregate classification.
Comment: This variant is classified as likely benign based on ACMG/AMP sequence variant interpretation guidelines (Richards et al. 2015 PMID: 25741868, with internal and published modifications).

NM_006031.6(PCNT):c.3648G>A (p.Pro1216=)

Gene: PCNT (pericentrin; plus strand). Cytogenetic location: 21q22.3.
Variant type: single nucleotide variant.
Coding change: c.3648G>A on transcript NM_006031.6 (MANE Select); coding-DNA position 3648, G replaced by A.
Protein change: p.Pro1216=; no amino-acid change (proline 1216 retained).
Molecular consequence: synonymous variant.
Genome position (GRCh38, 1-based): chr21:46,389,239, G>A. VCF-style: chr21-46389239-G-A. GRCh37 (hg19) VCF-style: chr21-47809154-G-A.
Other names: c.3294G>A, p.Pro1098= (NM_001315529.2).
Identifiers: ClinVar variation 385869 (VCV000385869.8), dbSNP rs756724097, ClinGen allele CA10079409.